The following is an entry in ClinVar:

NM_032578.4(MYPN):c.3544G>A (p.Gly1182Ser)

Gene: MYPN (myopalladin; plus strand). Cytogenetic location: 10q21.3.
Variant type: single nucleotide variant.
Coding change: c.3544G>A on transcript NM_032578.4 (MANE Select); coding-DNA position 3544, G replaced by A.
Protein change: p.Gly1182Ser; replaces glycine 1182 with serine.
Molecular consequence: missense variant. On other transcripts: non-coding transcript variant (2).
Genome position (GRCh38, 1-based): chr10:68,201,879, G>A. VCF-style: chr10-68201879-G-A. GRCh37 (hg19) VCF-style: chr10-69961636-G-A.
Other names: c.3544G>A, p.Gly1182Ser (NM_001256267.2); c.2662G>A, p.Gly888Ser (NM_001256268.2); short protein forms G1182S, G888S.
Identifiers: ClinVar variation 520374 (VCV000520374.8), dbSNP rs777875865, ClinGen allele CA5523086.

ClinVar aggregate classification (germline): Uncertain significance. Review status: criteria provided, multiple submitters, no conflicts (2 of 4 stars). 2 submissions from 2 submitters: Uncertain significance (2). Last evaluated 2026-03-02.

Conditions:
Cardiovascular phenotype. Identifiers: MedGen CN230736.
Dilated cardiomyopathy 1KK (CMD1KK). Identifiers: Orphanet 154, Orphanet 75249, MedGen C3714995, MONDO:0014100, OMIM 615248.

Allele frequency attached by ClinVar (database versions not stated): ExAC 0.00001; gnomAD 0.00001; gnomAD exomes 0.00001 and 0.00002; TOPMed 0.00002.
gnomAD v4.1: 15 of 1,614,032 alleles (0.00093%); highest among the groups gnomAD compares: South Asian, 0.0055%; no homozygotes.

Submissions (2):

Ambry Genetics
Classification: Uncertain significance for Cardiovascular phenotype. Last evaluated: 2026-03-02. Review status: criteria provided, single submitter. Criteria: Ambry Variant Classification Scheme 2023. Collection method: clinical testing. Allele origin: germline.

Labcorp Genetics (formerly Invitae), Labcorp
Classification: Uncertain significance for Dilated cardiomyopathy 1KK. Last evaluated: 2022-02-09. Review status: criteria provided, single submitter. Criteria: Invitae Variant Classification Sherloc (09022015). Collection method: clinical testing. Allele origin: germline.
Comment: This variant has not been reported in the literature in individuals affected with MYPN-related conditions. In summary, the available evidence is currently insufficient to determine the role of this variant in disease. Therefore, it has been classified as a Variant of Uncertain Significance. Algorithms developed to predict the effect of missense changes on protein structure and function are either unavailable or do not agree on the potential impact of this missense change (SIFT: "Tolerated"; PolyPhen-2: "Probably Damaging"; Align-GVGD: "Class C0"). ClinVar contains an entry for this variant (Variation ID: 520374). This variant is present in population databases (rs777875865, gnomAD 0.008%). This sequence change replaces glycine, which is neutral and non-polar, with serine, which is neutral and polar, at codon 1182 of the MYPN protein (p.Gly1182Ser).